The following is an entry in ClinVar:

ClinVar aggregate classification (germline): Likely benign (1 of 4 stars; one submission).

Submission:

GeneDx
Classification: Likely benign. Last evaluated: 2017-06-09. Review status: criteria provided, single submitter. Criteria: GeneDx Variant Classification (06012015). Collection method: clinical testing. Allele origin: germline. Affected: yes.
Comment: This variant is considered likely benign or benign based on one or more of the following criteria: it is a conservative change, it occurs at a poorly conserved position in the protein, it is predicted to be benign by multiple in silico algorithms, and/or has population frequency not consistent with disease.

NM_016373.4(WWOX):c.-23_-22delinsT

Gene: WWOX (WW domain containing oxidoreductase; plus strand). Cytogenetic location: 16q23.1.
Variant type: Indel.
Coding change: c.-23_-22delinsT on transcript NM_016373.4 (MANE Select); 23 bases upstream of the start codon through 22 bases upstream of the start codon, GC replaced by T.
Molecular consequence: 5 prime UTR variant. On other transcripts: non-coding transcript variant (2).
Genome position (GRCh38, 1-based): chr16:78,099,756-78,099,757, GC replaced by T. VCF-style: chr16-78099756-GC-T. GRCh37 (hg19) VCF-style: chr16-78133653-GC-T.
Other names: c.-297_-296delinsT (NM_001291997.2); c.-23_-22delinsT (NM_130791.5).
Identifiers: ClinVar variation 506586 (VCV000506586.1), dbSNP rs1555532919, ClinGen allele CA658798638.
Genomic context (GRCh38, chr16:78,099,756, plus strand): 5'-TCTCGTTTGGAGCGGGAGTGAGTTCCTGAGCGAGTGGACCCGGCAGCGGGCGATAGGGGG[GC>T]CAGGTGCCTCCACAGTCAGCCATGGCAGCGCTGCGCTACGCGGGGCTGGACGACACGGAC-3'